The following is an entry in ClinVar:

ClinVar aggregate classification (germline): Uncertain significance (1 of 4 stars; one submission).

Submission:

Labcorp Genetics (formerly Invitae), Labcorp
Classification: Uncertain significance. Last evaluated: 2021-09-10. Review status: criteria provided, single submitter. Criteria: Invitae Variant Classification Sherloc (09022015). Collection method: clinical testing. Allele origin: germline.
Comment: In summary, the available evidence is currently insufficient to determine the role of this variant in disease. Therefore, it has been classified as a Variant of Uncertain Significance. Algorithms developed to predict the effect of missense changes on protein structure and function are either unavailable or do not agree on the potential impact of this missense change (SIFT: "Tolerated"; PolyPhen-2: "Possibly Damaging"; Align-GVGD: "Class C0"). This variant has not been reported in the literature in individuals affected with POLE-related conditions. This variant is not present in population databases (ExAC no frequency). This sequence change replaces proline with threonine at codon 916 of the POLE protein (p.Pro916Thr). The proline residue is moderately conserved and there is a small physicochemical difference between proline and threonine.

NM_006231.4(POLE):c.2746C>A (p.Pro916Thr)

Gene: POLE (DNA polymerase epsilon, catalytic subunit; minus strand). Cytogenetic location: 12q24.33.
Variant type: single nucleotide variant.
Coding change: c.2746C>A on transcript NM_006231.4 (MANE Select); coding-DNA position 2746, C replaced by A.
Protein change: p.Pro916Thr; replaces proline 916 with threonine.
Molecular consequence: missense variant.
Genome position (GRCh38, 1-based): chr12:132,661,645, G>T on the plus strand (C>A on the coding strand, the complement: POLE is on the minus strand). VCF-style: chr12-132661645-G-T. GRCh37 (hg19) VCF-style: chr12-133238231-G-T.
Other names: short protein forms P916T.
Identifiers: ClinVar variation 1380492 (VCV001380492.6), dbSNP rs2135949314, ClinGen allele CA387393938.